The following is an entry in ClinVar:

NM_000158.4(GBE1):c.1570C>G (p.Arg524Gly)

Gene: GBE1 (1,4-alpha-glucan branching enzyme 1; minus strand). Cytogenetic location: 3p12.2.
Variant type: single nucleotide variant.
Coding change: c.1570C>G on transcript NM_000158.4 (MANE Select); coding-DNA position 1570, C replaced by G.
Protein change: p.Arg524Gly; replaces arginine 524 with glycine.
Molecular consequence: missense variant.
Genome position (GRCh38, 1-based): chr3:81,577,973, G>C on the plus strand (C>G on the coding strand, the complement: GBE1 is on the minus strand). VCF-style: chr3-81577973-G-C. GRCh37 (hg19) VCF-style: chr3-81627124-G-C.
Other names: short protein forms R524G.
Identifiers: ClinVar variation 456517 (VCV000456517.6), dbSNP rs137852888, ClinGen allele CA353684655.
Genomic context (GRCh38, chr3:81,577,973, plus strand): 5'-ACTCACACTTACCCATGAAATTGAGATAGCCTTCTCCACCAAGCCCATGCGTAATGAGTC[G>C]AATCATTTTATGAAGCTGTATTCCACGATCAATAACTGGAGTAAAAGGAGTCAGGACACT-3'
Protein context (NP_000149.4, residues 514-534): DRGIQLHKMI[Arg524Gly]LITHGLGGEG

ClinVar aggregate classification (germline): Conflicting classifications of pathogenicity. Review status: criteria provided, conflicting classifications (1 of 4 stars). 2 submissions from 2 submitters: Likely pathogenic (1); Uncertain significance (1). Last evaluated 2022-02-17.

Conditions:
Glycogen storage disease, type IV (GSD4). Also called: GBE1 DEFICIENCY; GLYCOGEN BRANCHING ENZYME DEFICIENCY; GLYCOGENOSIS IV; GSD IV; AMYLOPECTINOSIS; ANDERSEN DISEASE. Identifiers: Orphanet 367, MedGen C0017923, MONDO:0009292, OMIM 232500.
Glycogen storage disease IV, classic hepatic. Also called: GSD IV, CLASSIC HEPATIC. Identifiers: MedGen C1856301.
Adult polyglucosan body disease (APBN). Also called: GBE1-Adult Polyglucosan Body Disease; POLYGLUCOSAN BODY DISEASE, ADULT FORM. Identifiers: Orphanet 206583, MedGen C1849722, MONDO:0009897, OMIM 263570.

Submissions (2):

Labcorp Genetics (formerly Invitae), Labcorp
Classification: Likely pathogenic for Glycogen storage disease, type IV; Glycogen storage disease IV, classic hepatic. Last evaluated: 2022-02-17. Review status: criteria provided, single submitter. Criteria: Invitae Variant Classification Sherloc (09022015). Collection method: clinical testing. Allele origin: germline.
Comment: This variant disrupts the p.Arg524 amino acid residue in GBE1. Other variant(s) that disrupt this residue have been determined to be pathogenic (PMID: 10545044, 10762170, 12874416, 15452297, 20479904). This suggests that this residue is clinically significant, and that variants that disrupt this residue are likely to be disease-causing. Advanced modeling of protein sequence and biophysical properties (such as structural, functional, and spatial information, amino acid conservation, physicochemical variation, residue mobility, and thermodynamic stability) performed at Invitae indicates that this missense variant is expected to disrupt GBE1 protein function. ClinVar contains an entry for this variant (Variation ID: 456517). This variant has not been reported in the literature in individuals affected with GBE1-related conditions. This variant is not present in population databases (gnomAD no frequency). This sequence change replaces arginine, which is basic and polar, with glycine, which is neutral and non-polar, at codon 524 of the GBE1 protein (p.Arg524Gly). In summary, the currently available evidence indicates that the variant is pathogenic, but additional data are needed to prove that conclusively. Therefore, this variant has been classified as Likely Pathogenic.

Fulgent Genetics
Classification: Uncertain significance for Glycogen storage disease, type IV; Adult polyglucosan body disease. Last evaluated: 2021-07-25. Review status: criteria provided, single submitter. Criteria: ACMG Guidelines, 2015. Collection method: clinical testing. Allele origin: unknown.

Literature cited by the submitters: PubMed 10545044 (cited by Labcorp Genetics (formerly Invitae), Labcorp); PubMed 10762170 (cited by Labcorp Genetics (formerly Invitae), Labcorp); PubMed 12874416 (cited by Labcorp Genetics (formerly Invitae), Labcorp); PubMed 15452297 (cited by Labcorp Genetics (formerly Invitae), Labcorp); PubMed 20479904 (cited by Labcorp Genetics (formerly Invitae), Labcorp).